The following is an entry in ClinVar:

NM_001393586.1(MYO7B):c.1898T>C (p.Phe633Ser)

Gene: MYO7B (myosin VIIB; plus strand). Cytogenetic location: 2q14.3.
Variant type: single nucleotide variant.
Coding change: c.1898T>C on transcript NM_001393586.1 (MANE Select); coding-DNA position 1898, T replaced by C.
Protein change: p.Phe633Ser; replaces phenylalanine 633 with serine.
Molecular consequence: missense variant.
Genome position (GRCh38, 1-based): chr2:127,590,135, T>C. VCF-style: chr2-127590135-T-C. GRCh37 (hg19) VCF-style: chr2-128347710-T-C.
Other names: c.1898T>C, p.Phe633Ser (NM_001080527.2); short protein forms F633S.
Identifiers: ClinVar variation 3033702 (VCV003033702.2), dbSNP rs61743282, ClinGen allele CA1860930.

ClinVar aggregate classification (germline): Likely benign (0 of 4 stars; one submission).

Conditions:
MYO7B-related disorder. Also called: MYO7B-related condition.

Allele frequency attached by ClinVar (database versions not stated): gnomAD exomes 0.00142; ESP Exome Variant Server 0.00147; 1000 Genomes Project 30x 0.00016; 1000 Genomes Project 0.00020; TOPMed 0.00102; gnomAD 0.00106; ExAC 0.00157.
gnomAD v4.1: 2,226 of 1,607,722 alleles (0.14%); highest among the groups gnomAD compares: Non-Finnish European, 0.18%; 1 homozygote.

Submission:

PreventionGenetics, part of Exact Sciences
Classification: Likely benign for MYO7B-related condition. Last evaluated: 2023-01-17. Review status: no assertion criteria provided. Collection method: clinical testing. Allele origin: germline.
Comment: This variant is classified as likely benign based on ACMG/AMP sequence variant interpretation guidelines (Richards et al. 2015 PMID: 25741868, with internal and published modifications).